The following is an entry in ClinVar:

NM_006269.2(RP1):c.1736A>G (p.Asp579Gly)

Gene: RP1 (RP1 axonemal microtubule associated; plus strand). Cytogenetic location: 8q12.1.
Variant type: single nucleotide variant.
Coding change: c.1736A>G on transcript NM_006269.2 (MANE Select); coding-DNA position 1736, A replaced by G.
Protein change: p.Asp579Gly; replaces aspartic acid 579 with glycine.
Molecular consequence: missense variant. On other transcripts: intron variant (1).
Genome position (GRCh38, 1-based): chr8:54,625,618, A>G. VCF-style: chr8-54625618-A-G. GRCh37 (hg19) VCF-style: chr8-55538178-A-G.
Other names: c.1736A>G (NM_006269.1); c.787+3330A>G (NM_001375654.1); short protein forms D579G.
Identifiers: ClinVar variation 1006018 (VCV001006018.12), dbSNP rs144999144, ClinGen allele CA4751426.

ClinVar aggregate classification (germline): Conflicting classifications of pathogenicity. Review status: criteria provided, conflicting classifications (1 of 4 stars). 4 submissions from 4 submitters: Uncertain significance (3); Likely benign (1). Last evaluated 2025-08-09.

Conditions:
RP1-related disorder. Also called: RP1-related condition.
Inborn genetic diseases. Identifiers: MedGen C0950123, MeSH D030342.

Allele frequency attached by ClinVar (database versions not stated): TOPMed 0.00034; 1000 Genomes Project 30x 0.00047; 1000 Genomes Project 0.00060; gnomAD exomes 0.00008; ExAC 0.00011; ESP Exome Variant Server 0.00015; gnomAD 0.00023 and 0.00025.
gnomAD v4.1: 83 of 1,614,172 alleles (0.0051%); highest among the groups gnomAD compares: African/African-American, 0.096%; no homozygotes.

Submissions (4):

Ambry Genetics
Classification: Likely benign for Inborn genetic diseases. Last evaluated: 2025-08-09. Review status: criteria provided, single submitter. Criteria: Ambry Variant Classification Scheme 2023. Collection method: clinical testing. Allele origin: germline.

Labcorp Genetics (formerly Invitae), Labcorp
Classification: Uncertain significance. Last evaluated: 2025-07-27. Review status: criteria provided, single submitter. Criteria: Invitae Variant Classification Sherloc (09022015). Collection method: clinical testing. Allele origin: germline.
Comment: This sequence change replaces aspartic acid, which is acidic and polar, with glycine, which is neutral and non-polar, at codon 579 of the RP1 protein (p.Asp579Gly). This variant is present in population databases (rs144999144, gnomAD 0.09%). This variant has not been reported in the literature in individuals affected with RP1-related conditions. ClinVar contains an entry for this variant (Variation ID: 1006018). An algorithm developed to predict the effect of missense changes on protein structure and function outputs the following: PolyPhen-2: "Benign". The glycine amino acid residue is found in multiple mammalian species, which suggests that this missense change does not adversely affect protein function. In summary, the available evidence is currently insufficient to determine the role of this variant in disease. Therefore, it has been classified as a Variant of Uncertain Significance.

PreventionGenetics, part of Exact Sciences
Classification: Uncertain significance for RP1-related condition. Last evaluated: 2024-10-18. Review status: criteria provided, single submitter. Criteria: ACMG Guidelines, 2015. Collection method: clinical testing. Allele origin: germline.
Comment: The RP1 c.1736A>G variant is predicted to result in the amino acid substitution p.Asp579Gly. To our knowledge, this variant has not been reported in the literature. This variant is present in 0.092% of alleles in individuals of African descent in gnomAD, which may be too common to be an unreported cause of disease. Although we suspect that this variant may be benign, at this time, the clinical significance of this variant is uncertain due to the absence of conclusive functional and genetic evidence.

Breakthrough Genomics
Classification: Uncertain significance. Review status: criteria provided, single submitter. Criteria: ACMG Guidelines, 2015. Collection method: not provided. Allele origin: germline. Inheritance: Autosomal recessive inheritance. Affected: yes.